The following is an entry in ClinVar:

NM_000218.3(KCNQ1):c.1152C>T (p.Ala384=)

Gene: KCNQ1 (potassium voltage-gated channel subfamily Q member 1; plus strand). Cytogenetic location: 11p15.5.
Variant type: single nucleotide variant.
Coding change: c.1152C>T on transcript NM_000218.3 (MANE Select); coding-DNA position 1152, C replaced by T.
Protein change: p.Ala384=; no amino-acid change (alanine 384 retained).
Molecular consequence: synonymous variant.
Genome position (GRCh38, 1-based): chr11:2,587,593, C>T. VCF-style: chr11-2587593-C-T. GRCh37 (hg19) VCF-style: chr11-2608823-C-T.
Other names: c.1056C>T, p.Ala352= (NM_001406836.1); c.882C>T, p.Ala294= (NM_001406837.1); c.612C>T, p.Ala204= (NM_001406838.1); c.771C>T, p.Ala257= (NM_181798.2).
Identifiers: ClinVar variation 215662 (VCV000215662.24), dbSNP rs144615901, ClinGen allele CA027413.

ClinVar aggregate classification (germline): Conflicting classifications of pathogenicity. Review status: criteria provided, conflicting classifications (1 of 4 stars). 9 submissions from 6 submitters: Uncertain significance (3); Benign (1); Likely benign (5). Last evaluated 2025-11-28.

Conditions:
Cardiovascular phenotype. Identifiers: MedGen CN230736.
Cardiac arrhythmia. Also called: Arrhythmia; Cardiac rhythm disease. Identifiers: MedGen C0003811, MONDO:0007263, HP:0011675.
Long QT syndrome (LQTS). Identifiers: MedGen C0023976, MeSH D008133, MONDO:0002442. Disease mechanism: loss of function. Inheritance: Various modes of inheritance.
Atrial fibrillation, familial, 3 (ATFB3). Identifiers: MedGen C1837014, MONDO:0011857, OMIM 607554.
Short QT syndrome type 2. Identifiers: Orphanet 51083, MedGen C1865019, MONDO:0012313, OMIM 609621.
Long QT syndrome 1 (LQT1). Identifiers: Orphanet 101016, Orphanet 768, MedGen C4551647, MONDO:0100316, OMIM 192500, MONDO:0008646.
Jervell and Lange-Nielsen syndrome 1 (JLNS1). Also called: CARDIOAUDITORY SYNDROME OF JERVELL AND LANGE-NIELSEN; DEAFNESS, CONGENITAL, AND FUNCTIONAL HEART DISEASE; PROLONGED QT INTERVAL IN EKG AND SUDDEN DEATH; SURDO-CARDIAC SYNDROME. Identifiers: Orphanet 768, Orphanet 90647, MedGen C4551509, MONDO:0024540, OMIM 220400.

Allele frequency attached by ClinVar (database versions not stated): gnomAD exomes 0.00001 and 0.00005; TOPMed 0.00003; ExAC 0.00007; gnomAD 0.00007 and 0.00009; ESP Exome Variant Server 0.00015.
gnomAD v4.1: 28 of 1,613,848 alleles (0.0017%); highest among the groups gnomAD compares: African/African-American, 0.017%; no homozygotes.

Submissions (9):

Labcorp Genetics (formerly Invitae), Labcorp
Classification: Likely benign for Long QT syndrome. Last evaluated: 2025-11-28. Review status: criteria provided, single submitter. Criteria: Invitae Variant Classification Sherloc (09022015). Collection method: clinical testing. Allele origin: germline.

All of Us Research Program, National Institutes of Health
Classification: Likely benign for Long QT syndrome. Last evaluated: 2024-09-23. Review status: criteria provided, single submitter. Criteria: ACMG Guidelines, 2015. Collection method: clinical testing. Allele origin: germline. Inheritance: Autosomal dominant inheritance. Observed: 8 variant alleles, 8 heterozygotes.
Comment: This study involves interpretation of variants in research participants for the purpose of population health screening. Participant phenotype was not available at the time of variant classification. Additional details can be found in publication PMID: 35346344, PMCID: PMC8962531

Ambry Genetics
Classification: Likely benign for Cardiovascular phenotype. Last evaluated: 2019-06-29. Review status: criteria provided, single submitter. Criteria: Ambry Variant Classification Scheme 2023. Collection method: clinical testing. Allele origin: germline.

Color Diagnostics, LLC DBA Color Health
Classification: Likely benign for Arrhythmia. Last evaluated: 2019-06-19. Review status: criteria provided, single submitter. Criteria: ACMG Guidelines, 2015. Collection method: clinical testing. Allele origin: germline.

Illumina Laboratory Services, Illumina
Classification: Uncertain significance for Atrial fibrillation, familial, 3. Last evaluated: 2018-01-12. Review status: criteria provided, single submitter. Criteria: ICSL Variant Classification Criteria 13 December 2019. Collection method: clinical testing. Allele origin: germline.

Illumina Laboratory Services, Illumina
Classification: Likely benign for Short QT syndrome type 2. Last evaluated: 2018-01-12. Review status: criteria provided, single submitter. Criteria: ICSL Variant Classification Criteria 13 December 2019. Collection method: clinical testing. Allele origin: germline.
Comment: This variant was observed in the ICSL laboratory as part of a predisposition screen in an ostensibly healthy population. It had not been previously curated by ICSL or reported in the Human Gene Mutation Database (HGMD: prior to June 1st, 2018), and was therefore a candidate for classification through an automated scoring system. Utilizing variant allele frequency, disease prevalence and penetrance estimates, and inheritance mode, an automated score was calculated to assess if this variant is too frequent to cause the disease. Based on the score and internal cut-off values, a variant classified as likely benign is not then subjected to further curation. The score for this variant resulted in a classification of likely benign for this disease.

Illumina Laboratory Services, Illumina
Classification: Uncertain significance for Jervell and Lange-Nielsen syndrome 1. Last evaluated: 2018-01-12. Review status: criteria provided, single submitter. Criteria: ICSL Variant Classification Criteria 13 December 2019. Collection method: clinical testing. Allele origin: germline.

Illumina Laboratory Services, Illumina
Classification: Uncertain significance for Long QT syndrome 1. Last evaluated: 2018-01-12. Review status: criteria provided, single submitter. Criteria: ICSL Variant Classification Criteria 13 December 2019. Collection method: clinical testing. Allele origin: germline.

GeneDx
Classification: Benign. Last evaluated: 2015-03-03. Review status: criteria provided, single submitter. Criteria: GeneDx Variant Classification Process June 2021. Collection method: clinical testing. Allele origin: germline. Affected: yes.